The following is an entry in ClinVar:

ClinVar aggregate classification (germline): Uncertain significance. Review status: criteria provided, multiple submitters, no conflicts (2 of 4 stars). 2 submissions from 2 submitters: Uncertain significance (2). Last evaluated 2025-06-07.

Conditions:
Inborn genetic diseases. Identifiers: MedGen C0950123, MeSH D030342.

Allele frequency attached by ClinVar (database versions not stated): gnomAD exomes below 0.00001.
gnomAD v4.1: 2 of 1,613,800 alleles (0.00012%); highest among the groups gnomAD compares: East Asian, 0.0045%; no homozygotes.

Submissions (2):

Ambry Genetics
Classification: Uncertain significance for Inborn genetic diseases. Last evaluated: 2025-06-07. Review status: criteria provided, single submitter. Criteria: Ambry Variant Classification Scheme 2023. Collection method: clinical testing. Allele origin: germline.

Labcorp Genetics (formerly Invitae), Labcorp
Classification: Uncertain significance. Last evaluated: 2021-08-05. Review status: criteria provided, single submitter. Criteria: Invitae Variant Classification Sherloc (09022015). Collection method: clinical testing. Allele origin: germline.
Comment: This sequence change replaces histidine with tyrosine at codon 660 of the PDE6A protein (p.His660Tyr). The histidine residue is highly conserved and there is a moderate physicochemical difference between histidine and tyrosine. This variant is not present in population databases (ExAC no frequency). This variant has not been reported in the literature in individuals affected with PDE6A-related conditions. Algorithms developed to predict the effect of missense changes on protein structure and function are either unavailable or do not agree on the potential impact of this missense change (SIFT: "Deleterious"; PolyPhen-2: "Probably Damaging"; Align-GVGD: "Class C0"). In summary, the available evidence is currently insufficient to determine the role of this variant in disease. Therefore, it has been classified as a Variant of Uncertain Significance.

NM_000440.3(PDE6A):c.1978C>T (p.His660Tyr)

Gene: PDE6A (phosphodiesterase 6A; minus strand). Cytogenetic location: 5q32.
Variant type: single nucleotide variant.
Coding change: c.1978C>T on transcript NM_000440.3 (MANE Select); coding-DNA position 1978, C replaced by T.
Protein change: p.His660Tyr; replaces histidine 660 with tyrosine.
Molecular consequence: missense variant.
Genome position (GRCh38, 1-based): chr5:149,884,528, G>A on the plus strand (C>T on the coding strand, the complement: PDE6A is on the minus strand). VCF-style: chr5-149884528-G-A. GRCh37 (hg19) VCF-style: chr5-149264091-G-A.
Other names: c.1978C>T (NM_000440.2); short protein forms H660Y.
Identifiers: ClinVar variation 1493843 (VCV001493843.4), dbSNP rs1445758846, ClinGen allele CA361693307.